The following is an entry in ClinVar:

NM_000051.4(ATM):c.4209C>A (p.Ser1403Arg)

Gene: ATM (ATM serine/threonine kinase; plus strand). Cytogenetic location: 11q22.3.
Variant type: single nucleotide variant.
Coding change: c.4209C>A on transcript NM_000051.4 (MANE Select); coding-DNA position 4209, C replaced by A.
Protein change: p.Ser1403Arg; replaces serine 1403 with arginine.
Molecular consequence: missense variant.
Genome position (GRCh38, 1-based): chr11:108,289,076, C>A. VCF-style: chr11-108289076-C-A. GRCh37 (hg19) VCF-style: chr11-108159803-C-A.
Other names: c.4209C>A, p.Ser1403Arg (NM_001351834.2); short protein forms S1403R.
Identifiers: ClinVar variation 1349743 (VCV001349743.4), dbSNP rs876658701, ClinGen allele CA382530418.

ClinVar aggregate classification (germline): Uncertain significance (1 of 4 stars; one submission).

Conditions:
Ataxia-telangiectasia syndrome (AT). Also called: Ataxia-telangiectasia, complementation group D; ATAXIA-TELANGIECTASIA, COMPLEMENTATION GROUP A; ATAXIA-TELANGIECTASIA, FRESNO VARIANT; Ataxia-telangiectasia, complementation group E; Cerebello-oculocutaneous telangiectasia; Immunodeficiency with ataxia telangiectasia. Identifiers: Orphanet 100, MedGen C0004135, MONDO:0008840, OMIM 208900.

Submission:

Labcorp Genetics (formerly Invitae), Labcorp
Classification: Uncertain significance for Ataxia-telangiectasia syndrome. Last evaluated: 2025-08-17. Review status: criteria provided, single submitter. Criteria: Invitae Variant Classification Sherloc (09022015). Collection method: clinical testing. Allele origin: germline.
Comment: This sequence change replaces serine, which is neutral and polar, with arginine, which is basic and polar, at codon 1403 of the ATM protein (p.Ser1403Arg). This variant is not present in population databases (gnomAD no frequency). This variant has not been reported in the literature in individuals affected with ATM-related conditions. ClinVar contains an entry for this variant (Variation ID: 1349743). Invitae Evidence Modeling of protein sequence and biophysical properties (such as structural, functional, and spatial information, amino acid conservation, physicochemical variation, residue mobility, and thermodynamic stability) indicates that this missense variant is not expected to disrupt ATM protein function with a negative predictive value of 95%. In summary, the available evidence is currently insufficient to determine the role of this variant in disease. Therefore, it has been classified as a Variant of Uncertain Significance.